The following is an entry in ClinVar:

NM_001401501.2(MUC16):c.43485G>A (p.Gln14495=)

Gene: MUC16 (mucin 16, cell surface associated; minus strand). Cytogenetic location: 19p13.2.
Variant type: single nucleotide variant.
Coding change: c.43485G>A on transcript NM_001401501.2 (MANE Select); coding-DNA position 43485, G replaced by A.
Protein change: p.Gln14495=; no amino-acid change (glutamine 14495 retained).
Molecular consequence: synonymous variant.
Genome position (GRCh38, 1-based): chr19:8,886,787, C>T on the plus strand (G>A on the coding strand, the complement: MUC16 is on the minus strand). VCF-style: chr19-8886787-C-T. GRCh37 (hg19) VCF-style: chr19-8997463-C-T.
Other names: c.43911G>A, p.Gln14637= (NM_001414686.1); c.43365G>A, p.Gln14455= (NM_001414687.1); c.40959G>A, p.Gln13653= (NM_024690.2).
Identifiers: ClinVar variation 3055752 (VCV003055752.2), dbSNP rs73001893, ClinGen allele CA305064427.
Genomic context (GRCh38, chr19:8,886,787, plus strand): 5'-GGCTCTTACCAGGCCCTGAAGGACCCTCTCCGTGGTGTTGAACTTCCTGGAGCCAGGGTG[C>T]TGCATGTTCTCCTCATACCGCAGGTTGGTGATGGTGAAGTTGAGAGTGAATAGCACCAGG-3'
Protein context (NP_001388430.1, residues 14485-14505): ITNLRYEENM[Gln14495=]HPGSRKFNTT

ClinVar aggregate classification (germline): Likely benign (0 of 4 stars; one submission).

Conditions:
MUC16-related disorder. Also called: MUC16-related condition.

Submission:

PreventionGenetics, part of Exact Sciences
Classification: Likely benign for MUC16-related condition. Last evaluated: 2019-10-17. Review status: no assertion criteria provided. Collection method: clinical testing. Allele origin: germline.
Comment: This variant is classified as likely benign based on ACMG/AMP sequence variant interpretation guidelines (Richards et al. 2015 PMID: 25741868, with internal and published modifications).